The following is an entry in ClinVar:

NM_014946.4(SPAST):c.683-1_683del

Gene: SPAST (spastin; plus strand). Cytogenetic location: 2p22.3.
Variant type: Deletion.
Coding change: c.683-1_683del on transcript NM_014946.4 (MANE Select); the canonical splice acceptor site of the intron before coding-DNA position 683 through coding-DNA position 683, 2 bases deleted (GA; older notation c.683-1_683delGA).
Molecular consequence: splice acceptor variant.
Genome position (GRCh38, 1-based): chr2:32,114,637-32,114,638, GA deleted; deleting any 2 consecutive bases within chr2:32,114,636-32,114,638 gives the same sequence; the c. name uses the placement nearest the transcript's 3' end. VCF-style (leftmost placement, unchanged base first): chr2-32114635-CAG-C. GRCh37 (hg19) VCF-style: chr2-32339704-CAG-C.
Other names: c.587-1_587del (NM_199436.2, NM_001377959.1); c.680-1_680del (NM_001363823.2); c.584-1_584del (NM_001363875.2).
Identifiers: ClinVar variation 4292900 (VCV004292900.1).
Genomic context (GRCh38, chr2:32,114,635, plus strand): 5'-TTGCTTGTCTTTATGTTCAGCTACAATTTTCTAATCACAATGGTTTTACTTTTTCCTTGT[CAG>C]AAAGTGGAGCTGTTCCAAAAAGAAAAGACCCCTTAACACACACTAGTAATTCACTGCCTC-3'

ClinVar aggregate classification (germline): Likely pathogenic (1 of 4 stars; one submission).

Conditions:
Hereditary spastic paraplegia 4. Also called: Spastic paraplegia 4, autosomal dominant; Familial spastic paraplegia autosomal dominant 2; Spastic Paraplegia 4. Identifiers: Orphanet 100985, MedGen C1866855, MONDO:0008438, OMIM 182601.

Submission:

3billion
Classification: Likely pathogenic for Hereditary spastic paraplegia 4. Last evaluated: 2024-11-20. Review status: criteria provided, single submitter. Criteria: ACMG Guidelines, 2015. Collection method: clinical testing. Allele origin: germline. Affected: yes.
Comment: The variant is not observed in the gnomAD v4.1.0 dataset. Predicted Consequence/Location: Canonical splice site: predicted to alter splicing and result in a loss or disruption of normal protein function. Multiple pathogenic loss-of-function variants are reported downstream of the variant. Therefore, this variant is classified as Likely pathogenic according to the recommendation of ACMG/AMP guideline.